The following is an entry in ClinVar:

ClinVar aggregate classification (germline): Uncertain significance (1 of 4 stars; one submission).

Conditions:
Hereditary cancer-predisposing syndrome. Also called: Neoplastic Syndromes, Hereditary; Tumor predisposition; Hereditary neoplastic syndrome; Hereditary Cancer Syndrome. Identifiers: Orphanet 140162, MedGen C0027672, MeSH D009386, MONDO:0015356.

Submission:

Ambry Genetics
Classification: Uncertain significance for Hereditary cancer-predisposing syndrome. Last evaluated: 2026-08-26. Review status: criteria provided, single submitter. Criteria: Ambry Variant Classification Scheme 2023. Collection method: clinical testing. Allele origin: germline.
Comment: The c.810+2T>A intronic variant results from a T to A substitution two nucleotides after coding exon 8 in the NF2 gene. Other variant(s) impacting the same donor site (c.810+1G>A) have been identified in individual(s) with features consistent with NF2-related schwannomatosis (Linder C et al. Fam Cancer, 2019 Jan;18:97-100; Ambry internal data). Variants that disrupt the canonical splice site are expected to result in aberrant splicing. In silico splice site analysis predicts that this alteration will weaken the native splice donor site and will result in the creation or strengthening of a novel splice donor site. A resulting transcript is predicted to be in-frame and is not expected to trigger nonsense-mediated mRNAdecay; although, direct evidence is unavailable. This nucleotide position is highly conserved in available vertebrate species. Based on the available evidence, the clinical significance of this variant remains unclear.

NM_000268.4(NF2):c.810+2T>A

Gene: NF2 (NF2, moesin-ezrin-radixin like (MERLIN) tumor suppressor; plus strand). Cytogenetic location: 22q12.2.
Variant type: single nucleotide variant.
Coding change: c.810+2T>A on transcript NM_000268.4 (MANE Select); the canonical splice donor site of the intron after coding-DNA position 810, T replaced by A.
Molecular consequence: splice donor variant. On other transcripts: intron variant (4).
Genome position (GRCh38, 1-based): chr22:29,661,341, T>A. VCF-style: chr22-29661341-T-A. GRCh37 (hg19) VCF-style: chr22-30057330-T-A.
Other names: c.561+2T>A (NM_181831.3, NM_001407063.1, NM_181830.3 and 1 more transcripts); c.810+2T>A (NM_181825.3, NM_016418.5, NM_181832.3 and 2 more transcripts); c.696+2T>A (NM_001407056.1, NM_001407053.1); c.579+2T>A (NM_001407067.1); c.276+2T>A (NM_001407065.1); c.675+3077T>A (NM_001407059.1, NM_001407057.1); c.447+19056T>A (NM_181833.3); c.687+2T>A (NM_001407058.1, NM_181829.3, NM_001407054.1); and 2 more.
Identifiers: ClinVar variation 5025710 (VCV005025710.1).